The following is an entry in ClinVar:

NM_018116.4(MSTO1):c.732G>C (p.Lys244Asn)

Gene: MSTO1 (misato mitochondrial distribution and morphology regulator 1; plus strand). Cytogenetic location: 1q22.
Variant type: single nucleotide variant.
Coding change: c.732G>C on transcript NM_018116.4 (MANE Select); coding-DNA position 732, G replaced by C.
Protein change: p.Lys244Asn; replaces lysine 244 with asparagine.
Molecular consequence: missense variant. On other transcripts: non-coding transcript variant (6).
Genome position (GRCh38, 1-based): chr1:155,612,235, G>C. VCF-style: chr1-155612235-G-C. GRCh37 (hg19) VCF-style: chr1-155582026-G-C.
Other names: c.732G>C, p.Lys244Asn (NM_001256532.1, NM_001256533.1, NM_001350772.1 and 3 more transcripts); c.567G>C, p.Lys189Asn (NM_001350776.1); c.201G>C, p.Lys67Asn (NM_001350777.1, NM_001350778.1, NM_001350779.1); c.198G>C, p.Lys66Asn (NM_001350780.1, NM_001350781.1, NM_001350782.1 and 3 more transcripts); c.189G>C, p.Lys63Asn (NM_001350784.1, NM_001350785.1, NM_001350787.1 and 1 more transcripts); short protein forms K244N, K189N, K63N, K66N, K67N.
Identifiers: ClinVar variation 1909329 (VCV001909329.5), dbSNP rs778044331, ClinGen allele CA1147999.

ClinVar aggregate classification (germline): Uncertain significance. Review status: criteria provided, multiple submitters, no conflicts (2 of 4 stars). 2 submissions from 2 submitters: Uncertain significance (2). Last evaluated 2024-11-11.

Allele frequency attached by ClinVar (database versions not stated): gnomAD exomes 0.00001; TOPMed 0.00001; ExAC 0.00002; gnomAD 0.00003.
gnomAD v4.1: 15 of 1,603,260 alleles (0.00094%); highest among the groups gnomAD compares: Non-Finnish European, 0.0013%; no homozygotes.

Submissions (2):

Labcorp Genetics (formerly Invitae), Labcorp
Classification: Uncertain significance. Last evaluated: 2024-11-11. Review status: criteria provided, single submitter. Criteria: Invitae Variant Classification Sherloc (09022015). Collection method: clinical testing. Allele origin: germline.
Comment: This sequence change replaces lysine, which is basic and polar, with asparagine, which is neutral and polar, at codon 244 of the MSTO1 protein (p.Lys244Asn). This variant is present in population databases (rs778044331, gnomAD 0.002%). This variant has not been reported in the literature in individuals affected with MSTO1-related conditions. ClinVar contains an entry for this variant (Variation ID: 1909329). Invitae Evidence Modeling of protein sequence and biophysical properties (such as structural, functional, and spatial information, amino acid conservation, physicochemical variation, residue mobility, and thermodynamic stability) has been performed for this missense variant. However, the output from this modeling did not meet the statistical confidence thresholds required to predict the impact of this variant on MSTO1 protein function. In summary, the available evidence is currently insufficient to determine the role of this variant in disease. Therefore, it has been classified as a Variant of Uncertain Significance.

Blueprint Genetics
Classification: Uncertain significance. Last evaluated: 2024-07-29. Review status: criteria provided, single submitter. Criteria: ACMG Guidelines, 2015. Collection method: clinical testing. Allele origin: germline.